The following is an entry in ClinVar:

NM_004963.4(GUCY2C):c.1391G>A (p.Arg464His)

Gene: GUCY2C (guanylate cyclase 2C; minus strand). Cytogenetic location: 12p12.3.
Variant type: single nucleotide variant.
Coding change: c.1391G>A on transcript NM_004963.4 (MANE Select); coding-DNA position 1391, G replaced by A.
Protein change: p.Arg464His; replaces arginine 464 with histidine.
Molecular consequence: missense variant.
Genome position (GRCh38, 1-based): chr12:14,656,591, C>T on the plus strand (G>A on the coding strand, the complement: GUCY2C is on the minus strand). VCF-style: chr12-14656591-C-T. GRCh37 (hg19) VCF-style: chr12-14809525-C-T.
Other names: short protein forms R464H.
Identifiers: ClinVar variation 2964558 (VCV002964558.3), dbSNP rs55684775, ClinGen allele CA6463430.
Genomic context (GRCh38, chr12:14,656,591, plus strand): 5'-GTCTCATTGGTCTCCAGAGGAAAGATATTTTCAGGAGGAATGTGGGACCATTTTTTCTGA[C>T]GAAGTTCATAATCTTTTCTATATTTTCTGTGAAAGGAATAAAACTGGTCAATAGGTTTTT-3'
Protein context (NP_004954.2, residues 454-474): LRKYRKDYEL[Arg464His]QKKWSHIPPE

ClinVar aggregate classification (germline): Uncertain significance (1 of 4 stars; one submission).

Allele frequency attached by ClinVar (database versions not stated): gnomAD 0.00002.
gnomAD v4.1: 14 of 1,584,392 alleles (0.00088%); highest among the groups gnomAD compares: Admixed American, 0.0033%; no homozygotes.

Submission:

Labcorp Genetics (formerly Invitae), Labcorp
Classification: Uncertain significance. Last evaluated: 2024-10-26. Review status: criteria provided, single submitter. Criteria: Invitae Variant Classification Sherloc (09022015). Collection method: clinical testing. Allele origin: germline.
Comment: This sequence change replaces arginine, which is basic and polar, with histidine, which is basic and polar, at codon 464 of the GUCY2C protein (p.Arg464His). This variant is present in population databases (rs55684775, gnomAD 0.006%). This variant has not been reported in the literature in individuals affected with GUCY2C-related conditions. Invitae Evidence Modeling of protein sequence and biophysical properties (such as structural, functional, and spatial information, amino acid conservation, physicochemical variation, residue mobility, and thermodynamic stability) indicates that this missense variant is not expected to disrupt GUCY2C protein function with a negative predictive value of 80%. In summary, the available evidence is currently insufficient to determine the role of this variant in disease. Therefore, it has been classified as a Variant of Uncertain Significance.